The following is an entry in ClinVar:

NM_020297.4(ABCC9):c.2331C>G (p.Asn777Lys)

Gene: ABCC9 (ATP binding cassette subfamily C member 9; minus strand). Cytogenetic location: 12p12.1.
Variant type: single nucleotide variant.
Coding change: c.2331C>G on transcript NM_020297.4 (MANE Select); coding-DNA position 2331, C replaced by G.
Protein change: p.Asn777Lys; replaces asparagine 777 with lysine.
Molecular consequence: missense variant.
Genome position (GRCh38, 1-based): chr12:21,862,961, G>C on the plus strand (C>G on the coding strand, the complement: ABCC9 is on the minus strand). VCF-style: chr12-21862961-G-C. GRCh37 (hg19) VCF-style: chr12-22015895-G-C.
Other names: c.2331C>G, p.Asn777Lys (NM_001377273.1, NM_005691.4); c.1464C>G, p.Asn488Lys (NM_001377274.1); short protein forms N488K, N777K.
Identifiers: ClinVar variation 2853089 (VCV002853089.3), dbSNP rs765227350, ClinGen allele CA384129633.

ClinVar aggregate classification (germline): Uncertain significance (1 of 4 stars; one submission).

Conditions:
Dilated cardiomyopathy 1O (CMD1O). Also called: CARDIOMYOPATHY, DILATED, WITH VENTRICULAR TACHYCARDIA. Identifiers: Orphanet 154, MedGen C1837839, MONDO:0012062, OMIM 608569.

Submission:

Labcorp Genetics (formerly Invitae), Labcorp
Classification: Uncertain significance for Dilated cardiomyopathy 1O. Last evaluated: 2025-09-30. Review status: criteria provided, single submitter. Criteria: Invitae Variant Classification Sherloc (09022015). Collection method: clinical testing. Allele origin: germline.
Comment: This sequence change replaces asparagine, which is neutral and polar, with lysine, which is basic and polar, at codon 777 of the ABCC9 protein (p.Asn777Lys). This variant is not present in population databases (gnomAD no frequency). This variant has not been reported in the literature in individuals affected with ABCC9-related conditions. ClinVar contains an entry for this variant (Variation ID: 2853089). Invitae Evidence Modeling of protein sequence and biophysical properties (such as structural, functional, and spatial information, amino acid conservation, physicochemical variation, residue mobility, and thermodynamic stability) has been performed for this missense variant. However, the output from this modeling did not meet the statistical confidence thresholds required to predict the impact of this variant on ABCC9 protein function. In summary, the available evidence is currently insufficient to determine the role of this variant in disease. Therefore, it has been classified as a Variant of Uncertain Significance.